The following is an entry in ClinVar:

NM_000346.4(SOX9):c.1320_1321insCACCA (p.Asp441fs)

Gene: SOX9 (SRY-box transcription factor 9; plus strand). Cytogenetic location: 17q24.3.
Variant type: Insertion.
Coding change: c.1320_1321insCACCA on transcript NM_000346.4 (MANE Select); coding-DNA positions 1320 to 1321, CACCA inserted.
Protein change: p.Asp441fs; shifts the reading frame from aspartic acid 441.
Molecular consequence: frameshift variant.
Genome position: GRCh38 VCF-style: chr17-72124177-C-CCACCA. GRCh37 (hg19) VCF-style: chr17-70120318-C-CCACCA.
Other names: short protein forms D441fs.
Identifiers: ClinVar variation 3363156 (VCV003363156.1).
Genomic context (GRCh38, chr17:72,124,177, plus strand): 5'-CAGCCCCTTCAACCTCCCACACTACAGCCCCTCCTACCCGCCCATCACCCGCTCACAGTA[C>CCACCA]GACTACACCGACCACCAGAACTCCAGCTCCTACTACAGCCACGCGGCAGGCCAGGGCACC-3'

ClinVar aggregate classification (germline): Pathogenic (1 of 4 stars; one submission).

Conditions:
Camptomelic dysplasia (CMPD). Also called: Campomelic Dysplasia; CMPD1/SRA1. Identifiers: Orphanet 140, MedGen C1861922, MONDO:0007251, OMIM 114290.

Submission:

Clinical Genetics and Genomics, Karolinska University Hospital
Classification: Pathogenic for Camptomelic dysplasia. Last evaluated: 2024-09-10. Review status: criteria provided, single submitter. Criteria: ACMG Guidelines, 2015. Collection method: clinical testing. Allele origin: de novo. Affected: yes.